The following is an entry in ClinVar:

ClinVar aggregate classification (germline): Uncertain significance (1 of 4 stars; one submission).

Submission:

Labcorp Genetics (formerly Invitae), Labcorp
Classification: Uncertain significance. Last evaluated: 2021-07-29. Review status: criteria provided, single submitter. Criteria: Invitae Variant Classification Sherloc (09022015). Collection method: clinical testing. Allele origin: germline.
Comment: This variant has not been reported in the literature in individuals affected with ADGRV1-related conditions. This variant is not present in population databases (ExAC no frequency). This sequence change replaces isoleucine with threonine at codon 337 of the ADGRV1 protein (p.Ile337Thr). The isoleucine residue is weakly conserved and there is a moderate physicochemical difference between isoleucine and threonine. Algorithms developed to predict the effect of missense changes on protein structure and function are either unavailable or do not agree on the potential impact of this missense change (SIFT: "Deleterious"; PolyPhen-2: "Benign"; Align-GVGD: "Class C0"). In summary, the available evidence is currently insufficient to determine the role of this variant in disease. Therefore, it has been classified as a Variant of Uncertain Significance.

NM_032119.4(ADGRV1):c.1010T>C (p.Ile337Thr)

Gene: ADGRV1 (adhesion G protein-coupled receptor V1; plus strand). Cytogenetic location: 5q14.3.
Variant type: single nucleotide variant.
Coding change: c.1010T>C on transcript NM_032119.4 (MANE Select); coding-DNA position 1010, T replaced by C.
Protein change: p.Ile337Thr; replaces isoleucine 337 with threonine.
Molecular consequence: missense variant. On other transcripts: non-coding transcript variant (1).
Genome position (GRCh38, 1-based): chr5:90,627,548, T>C. VCF-style: chr5-90627548-T-C. GRCh37 (hg19) VCF-style: chr5-89923365-T-C.
Other names: short protein forms I337T.
Identifiers: ClinVar variation 1478812 (VCV001478812.6), dbSNP rs2149377019, ClinGen allele CA360368583.